The following is an entry in ClinVar:

ClinVar aggregate classification (germline): Uncertain significance. Review status: criteria provided, multiple submitters, no conflicts (2 of 4 stars). 2 submissions from 2 submitters: Uncertain significance (2). Last evaluated 2026-01-13.

Allele frequency attached by ClinVar (database versions not stated): ExAC 0.00036; ESP Exome Variant Server 0.00038; gnomAD 0.00054; TOPMed 0.00084; gnomAD exomes 0.00058.
gnomAD v4.1: 938 of 1,610,470 alleles (0.058%); highest among the groups gnomAD compares: Non-Finnish European, 0.07%; no homozygotes.

Submissions (2):

Labcorp Genetics (formerly Invitae), Labcorp
Classification: Uncertain significance. Last evaluated: 2026-01-13. Review status: criteria provided, single submitter. Criteria: Invitae Variant Classification Sherloc (09022015). Collection method: clinical testing. Allele origin: germline.
Comment: This sequence change replaces aspartic acid, which is acidic and polar, with asparagine, which is neutral and polar, at codon 1035 of the TNS2 protein (p.Asp1035Asn). This variant is present in population databases (rs200449214, gnomAD 0.06%), and has an allele count higher than expected for a pathogenic variant. This variant has not been reported in the literature in individuals affected with TNS2-related conditions. ClinVar contains an entry for this variant (Variation ID: 2242411). An algorithm developed to predict the effect of missense changes on protein structure and function (PolyPhen-2) suggests that this variant is likely to be disruptive. In summary, the available evidence is currently insufficient to determine the role of this variant in disease. Therefore, it has been classified as a Variant of Uncertain Significance.

Ambry Genetics
Classification: Uncertain significance. Last evaluated: 2025-04-03. Review status: criteria provided, single submitter. Criteria: Ambry Variant Classification Scheme 2023. Collection method: clinical testing. Allele origin: germline.

NM_170754.4(TNS2):c.3073G>A (p.Asp1025Asn)

Gene: TNS2 (tensin 2; plus strand). Cytogenetic location: 12q13.13.
Variant type: single nucleotide variant.
Coding change: c.3073G>A on transcript NM_170754.4 (MANE Select); coding-DNA position 3073, G replaced by A.
Protein change: p.Asp1025Asn; replaces aspartic acid 1025 with asparagine.
Molecular consequence: missense variant.
Genome position (GRCh38, 1-based): chr12:53,060,979, G>A. VCF-style: chr12-53060979-G-A. GRCh37 (hg19) VCF-style: chr12-53454763-G-A.
Other names: c.3073G>A, p.Asp1025Asn (NM_001416202.1); c.3031G>A, p.Asp1011Asn (NM_001416203.1); c.3100G>A, p.Asp1034Asn (NM_001416204.1); c.3004G>A, p.Asp1002Asn (NM_015319.3); c.2701G>A, p.Asp901Asn (NM_198316.2); short protein forms D1025N, D1035N, D901N, D1002N, D1011N, D1034N.
Identifiers: ClinVar variation 2242411 (VCV002242411.6), dbSNP rs200449214, ClinGen allele CA6592762.